The following is an entry in ClinVar:

ClinVar aggregate classification (germline): Uncertain significance (1 of 4 stars; one submission).

Conditions:
Long QT syndrome (LQTS). Identifiers: MedGen C0023976, MeSH D008133, MONDO:0002442. Disease mechanism: loss of function. Inheritance: Various modes of inheritance.

Submission:

Labcorp Genetics (formerly Invitae), Labcorp
Classification: Uncertain significance for Long QT syndrome. Last evaluated: 2025-09-07. Review status: criteria provided, single submitter. Criteria: Invitae Variant Classification Sherloc (09022015). Collection method: clinical testing. Allele origin: germline.
Comment: This sequence change is expected to alter the c-terminus of the KCNH2 protein (p.His1153Profs*113). While this is not anticipated to result in nonsense mediated decay, it is expected to disrupt the last 7 amino acid(s) of the KCNH2 protein and extend the protein by 105 additional amino acid residues. This variant is not present in population databases (gnomAD no frequency). This frameshift has been observed in individual(s) with clinical features of Long QT syndrome (internal data). In summary, the available evidence is currently insufficient to determine the role of this variant in disease. Therefore, it has been classified as a Variant of Uncertain Significance.

NM_000238.4(KCNH2):c.3458_3468del (p.His1153fs)

Gene: KCNH2 (potassium voltage-gated channel subfamily H member 2; minus strand). Cytogenetic location: 7q36.1.
Variant type: Deletion.
Coding change: c.3458_3468del on transcript NM_000238.4 (MANE Select); coding-DNA positions 3458 to 3468, 11 bases deleted (ACGGCTCGGAC).
Protein change: p.His1153fs; shifts the reading frame from histidine 1153.
Molecular consequence: frameshift variant. On other transcripts: non-coding transcript variant (2).
Genome position (GRCh38, 1-based): chr7:150,945,377-150,945,387, GTCCGAGCCGT deleted on the plus strand (ACGGCTCGGAC on the coding strand, the reverse complement: KCNH2 is on the minus strand); deleting any 11 consecutive bases within chr7:150,945,377-150,945,390 gives the same sequence; the c. name uses the placement nearest the transcript's 3' end. VCF-style (leftmost placement, unchanged base first): chr7-150945376-GGTCCGAGCCGT-G. GRCh37 (hg19) VCF-style: chr7-150642464-GGTCCGAGCCGT-G.
Other names: c.3170_3180del, p.His1057fs (NM_001406753.1); c.2438_2448del, p.His813fs (NM_172057.3); short protein forms H1057fs, H1153fs, H813fs.
Identifiers: ClinVar variation 4726762 (VCV004726762.1).
Genomic context (GRCh38, chr7:150,945,376, plus strand): 5'-CAGCGCCTTGATCCCTGGGTGAGCCACGTGTCCACACTGGGCAGCCCCACTAACTGCCCG[GGTCCGAGCCGT>G]GTCTGTGCAGGGGCTGGGAGGTGAGGGCCCCCAGCTGGCCCGGTAGGGAGAGGCGTCGTG-3'